The following is an entry in ClinVar:

NM_001171613.2(PREPL):c.1436T>C (p.Leu479Ser)

Gene: PREPL (prolyl endopeptidase like; minus strand). Cytogenetic location: 2p21.
Variant type: single nucleotide variant.
Coding change: c.1436T>C on transcript NM_001171613.2 (MANE Select); coding-DNA position 1436, T replaced by C.
Protein change: p.Leu479Ser; replaces leucine 479 with serine.
Molecular consequence: missense variant.
Genome position (GRCh38, 1-based): chr2:44,326,755, A>G on the plus strand (T>C on the coding strand, the complement: PREPL is on the minus strand). VCF-style: chr2-44326755-A-G. GRCh37 (hg19) VCF-style: chr2-44553894-A-G.
Other names: c.1517T>C, p.Leu506Ser (NM_001042385.2); c.1505T>C, p.Leu502Ser (NM_001042386.2); c.1703T>C, p.Leu568Ser (NM_001171603.1, NM_001171606.2, NM_001374275.1 and 2 more transcripts); c.1436T>C, p.Leu479Ser (NM_001171617.1, NM_001374277.1); short protein forms L502S, L506S, L479S, L568S.
Identifiers: ClinVar variation 1983244 (VCV001983244.3), dbSNP rs1267140464, ClinGen allele CA346689467.

ClinVar aggregate classification (germline): Uncertain significance. Review status: criteria provided, multiple submitters, no conflicts (2 of 4 stars). 2 submissions from 2 submitters: Uncertain significance (2). Last evaluated 2025-02-14.

Conditions:
Myasthenic syndrome, congenital, 22 (CMS22). Also called: PREPL DEFICIENCY. Identifiers: MedGen C4479088, MONDO:0044299, OMIM 616224.
Inborn genetic diseases. Identifiers: MedGen C0950123, MeSH D030342.

Allele frequency attached by ClinVar (database versions not stated): gnomAD exomes below 0.00001; gnomAD 0.00001.
gnomAD v4.1: 8 of 1,613,922 alleles (0.0005%); highest among the groups gnomAD compares: Admixed American, 0.01%; no homozygotes.

Submissions (2):

Ambry Genetics
Classification: Uncertain significance for Inborn genetic diseases. Last evaluated: 2025-02-14. Review status: criteria provided, single submitter. Criteria: Ambry Variant Classification Scheme 2023. Collection method: clinical testing. Allele origin: germline.

Labcorp Genetics (formerly Invitae), Labcorp
Classification: Uncertain significance for Myasthenic syndrome, congenital, 22. Last evaluated: 2023-05-23. Review status: criteria provided, single submitter. Criteria: Invitae Variant Classification Sherloc (09022015). Collection method: clinical testing. Allele origin: germline.
Comment: Advanced modeling of protein sequence and biophysical properties (such as structural, functional, and spatial information, amino acid conservation, physicochemical variation, residue mobility, and thermodynamic stability) performed at Invitae indicates that this missense variant is not expected to disrupt PREPL protein function. In summary, the available evidence is currently insufficient to determine the role of this variant in disease. Therefore, it has been classified as a Variant of Uncertain Significance. Algorithms developed to predict the effect of sequence changes on RNA splicing suggest that this variant may create or strengthen a splice site. ClinVar contains an entry for this variant (Variation ID: 1983244). This variant has not been reported in the literature in individuals affected with PREPL-related conditions. This variant is present in population databases (no rsID available, gnomAD 0.003%). This sequence change replaces leucine, which is neutral and non-polar, with serine, which is neutral and polar, at codon 568 of the PREPL protein (p.Leu568Ser).